The following is an entry in ClinVar:

ClinVar aggregate classification (germline): Uncertain significance (1 of 4 stars; one submission).

Conditions:
Cystic fibrosis (CF). Also called: MUCOVISCIDOSIS. Identifiers: Orphanet 586, MedGen C0010674, MONDO:0009061, OMIM 219700. Disease mechanism: loss of function.

gnomAD v4.1: 1 of 1,614,072 alleles (0.000062%); highest among the groups gnomAD compares: Non-Finnish European, 0.000085%; no homozygotes.

Submission:

Ambry Genetics
Classification: Uncertain significance for Cystic fibrosis. Last evaluated: 2023-09-10. Review status: criteria provided, single submitter. Criteria: Ambry Variant Classification Scheme 2023. Collection method: clinical testing. Allele origin: germline.
Comment: The p.T925S variant (also known as c.2774C>G), located in coding exon 17 of the CFTR gene, results from a C to G substitution at nucleotide position 2774. The threonine at codon 925 is replaced by serine, an amino acid with similar properties. This amino acid position is conserved. In addition, the in silico prediction for this alteration is inconclusive. Since supporting evidence is limited at this time, the clinical significance of this alteration remains unclear.

NM_000492.4(CFTR):c.2774C>G (p.Thr925Ser)

Gene: CFTR (CF transmembrane conductance regulator; plus strand). Cytogenetic location: 7q31.2.
Variant type: single nucleotide variant.
Coding change: c.2774C>G on transcript NM_000492.4 (MANE Select); coding-DNA position 2774, C replaced by G.
Protein change: p.Thr925Ser; replaces threonine 925 with serine.
Molecular consequence: missense variant.
Genome position (GRCh38, 1-based): chr7:117,603,648, C>G. VCF-style: chr7-117603648-C-G. GRCh37 (hg19) VCF-style: chr7-117243702-C-G.
Other names: short protein forms T925S.
Identifiers: ClinVar variation 2587620 (VCV002587620.2), dbSNP rs376827439, ClinGen allele CA368986755.